The following is an entry in ClinVar:

ClinVar aggregate classification (germline): Uncertain significance (1 of 4 stars; one submission).

Conditions:
SCLT1-related disorder. Also called: SCLT1-related condition.

gnomAD v4.1: 5 of 1,598,774 alleles (0.00031%); highest among the groups gnomAD compares: Admixed American, 0.0067%; no homozygotes.

Submission:

PreventionGenetics, part of Exact Sciences
Classification: Uncertain significance for SCLT1-related condition. Last evaluated: 2025-04-28. Review status: criteria provided, single submitter. Criteria: ACMG Guidelines, 2015. Collection method: clinical testing. Allele origin: germline.
Comment: The SCLT1 c.245G>T variant is predicted to result in the amino acid substitution p.Gly82Val. To our knowledge, this variant has not been reported in the literature. This variant is reported in 0.0029% of alleles in individuals of Latino descent in gnomAD. At this time, the clinical significance of this variant is uncertain due to the absence of conclusive functional and genetic evidence.

NM_144643.4(SCLT1):c.245G>T (p.Gly82Val)

Gene: SCLT1 (sodium channel and clathrin linker 1; minus strand). Cytogenetic location: 4q28.2.
Variant type: single nucleotide variant.
Coding change: c.245G>T on transcript NM_144643.4 (MANE Select); coding-DNA position 245, G replaced by T.
Protein change: p.Gly82Val; replaces glycine 82 with valine.
Molecular consequence: missense variant.
Genome position (GRCh38, 1-based): chr4:129,039,086, C>A on the plus strand (G>T on the coding strand, the complement: SCLT1 is on the minus strand). VCF-style: chr4-129039086-C-A. GRCh37 (hg19) VCF-style: chr4-129960241-C-A.
Other names: c.245G>T, p.Gly82Val (NM_001300898.2, NM_001410807.1); short protein forms G82V.
Identifiers: ClinVar variation 4985678 (VCV004985678.1).